The following is an entry in ClinVar:

NM_001366521.1(ATP2B1):c.357A>G (p.Ile119Met)

Gene: ATP2B1 (ATPase plasma membrane Ca2+ transporting 1; minus strand). Cytogenetic location: 12q21.33.
Variant type: single nucleotide variant.
Coding change: c.357A>G on transcript NM_001366521.1 (MANE Select); coding-DNA position 357, A replaced by G.
Protein change: p.Ile119Met; replaces isoleucine 119 with methionine.
Molecular consequence: missense variant. On other transcripts: non-coding transcript variant (3), intron variant (3).
Genome position (GRCh38, 1-based): chr12:89,642,207, T>C on the plus strand (A>G on the coding strand, the complement: ATP2B1 is on the minus strand). VCF-style: chr12-89642207-T-C. GRCh37 (hg19) VCF-style: chr12-90035984-T-C.
Other names: c.357A>G, p.Ile119Met (NM_001001323.2, NM_001366520.1, NM_001366522.1 and 23 more transcripts); c.209-6956A>G (NM_001413053.1, NM_001366530.1); c.209-7304A>G (NM_001413057.1); short protein forms I119M.
Identifiers: ClinVar variation 3893377 (VCV003893377.1).

ClinVar aggregate classification (germline): Uncertain significance (1 of 4 stars; one submission).

gnomAD v4.1: 1 of 1,613,802 alleles (0.000062%); highest among the groups gnomAD compares: South Asian, 0.0011%; no homozygotes.

Submission:

GeneDx
Classification: Uncertain significance. Last evaluated: 2024-10-22. Review status: criteria provided, single submitter. Criteria: GeneDx Variant Classification Process June 2021. Collection method: clinical testing. Allele origin: germline. Affected: yes.
Comment: Not observed at significant frequency in large population cohorts (gnomAD); In silico analysis indicates that this missense variant does not alter protein structure/function; Has not been previously published as pathogenic or benign to our knowledge